The following is an entry in ClinVar:

ClinVar aggregate classification (germline): Benign/Likely benign. Review status: criteria provided, multiple submitters, no conflicts (2 of 4 stars). 4 submissions from 4 submitters: Benign (3); Likely benign (1). Last evaluated 2025-09-22.

Conditions:
Primary familial polycythemia due to EPO receptor mutation. Also called: ERYTHROCYTOSIS, SOMATIC; Primary Familial Congenital Polycythemia; POLYCYTHEMIA, PRIMARY FAMILIAL AND CONGENITAL; Erythrocytosis, familial, 1. Identifiers: Orphanet 90042, MedGen C4551637, MONDO:0007572, OMIM 133100.

Allele frequency attached by ClinVar (database versions not stated): gnomAD exomes 0.00039 and 0.00017; ExAC 0.00045; 1000 Genomes Project 30x 0.00141; 1000 Genomes Project 0.00160; gnomAD 0.00167 and 0.00181; TOPMed 0.00182; ESP Exome Variant Server 0.00200.
gnomAD v4.1: 506 of 1,612,544 alleles (0.031%); highest among the groups gnomAD compares: African/African-American, 0.62%; 3 homozygotes.

Submissions (4):

Labcorp Genetics (formerly Invitae), Labcorp
Classification: Benign. Last evaluated: 2025-09-22. Review status: criteria provided, single submitter. Criteria: Invitae Variant Classification Sherloc (09022015). Collection method: clinical testing. Allele origin: germline.

Blueprint Genetics
Classification: Likely benign. Last evaluated: 2022-09-06. Review status: criteria provided, single submitter. Criteria: ACMG Guidelines, 2015. Collection method: clinical testing. Allele origin: germline.

Illumina Laboratory Services, Illumina
Classification: Benign for Primary familial polycythemia due to EPO receptor mutation. Last evaluated: 2018-01-13. Review status: criteria provided, single submitter. Criteria: ICSL Variant Classification Criteria 13 December 2019. Collection method: clinical testing. Allele origin: germline.
Comment: This variant was observed in the ICSL laboratory as part of a predisposition screen in an ostensibly healthy population. It had not been previously curated by ICSL or reported in the Human Gene Mutation Database (HGMD: prior to June 1st, 2018), and was therefore a candidate for classification through an automated scoring system. Utilizing variant allele frequency, disease prevalence and penetrance estimates, and inheritance mode, an automated score was calculated to assess if this variant is too frequent to cause the disease. Based on the score and internal cut-off values, a variant classified as benign is not then subjected to further curation. The score for this variant resulted in a classification of benign for this disease.

Breakthrough Genomics
Classification: Benign. Review status: criteria provided, single submitter. Criteria: ACMG Guidelines, 2015. Collection method: not provided. Allele origin: germline. Inheritance: Autosomal dominant inheritance. Affected: yes.

NM_000121.4(EPOR):c.168G>T (p.Arg56=)

Gene: EPOR (erythropoietin receptor; minus strand). Cytogenetic location: 19p13.2.
Variant type: single nucleotide variant.
Coding change: c.168G>T on transcript NM_000121.4 (MANE Select); coding-DNA position 168, G replaced by T.
Protein change: p.Arg56=; no amino-acid change (arginine 56 retained).
Molecular consequence: synonymous variant. On other transcripts: non-coding transcript variant (1).
Genome position (GRCh38, 1-based): chr19:11,383,180, C>A on the plus strand (G>T on the coding strand, the complement: EPOR is on the minus strand). VCF-style: chr19-11383180-C-A. GRCh37 (hg19) VCF-style: chr19-11493856-C-A.
Identifiers: ClinVar variation 328154 (VCV000328154.13), dbSNP rs35977803, ClinGen allele CA9210888.